The following is an entry in ClinVar:

NM_000937.5(POLR2A):c.3495G>A (p.Thr1165=)

Gene: POLR2A (RNA polymerase II subunit A; plus strand). Cytogenetic location: 17p13.1.
Variant type: single nucleotide variant.
Coding change: c.3495G>A on transcript NM_000937.5 (MANE Select); coding-DNA position 3495, G replaced by A.
Protein change: p.Thr1165=; no amino-acid change (threonine 1165 retained).
Molecular consequence: synonymous variant.
Genome position (GRCh38, 1-based): chr17:7,508,973, G>A. VCF-style: chr17-7508973-G-A. GRCh37 (hg19) VCF-style: chr17-7412292-G-A.
Identifiers: ClinVar variation 3341641 (VCV003341641.16).

ClinVar aggregate classification (germline): Likely benign (1 of 4 stars; one submission).

Submission:

CeGaT Center for Human Genetics Tuebingen
Classification: Likely benign. Last evaluated: 2024-08-01. Review status: criteria provided, single submitter. Criteria: CeGaT Center For Human Genetics Tuebingen Variant Classification Criteria Version 2. Collection method: clinical testing. Allele origin: germline. Affected: yes. Observed: 1 variant allele.
Comment: POLR2A: BP4, BP7